The following is an entry in ClinVar:

NM_000532.5(PCCB):c.734G>A (p.Gly245Asp)

Gene: PCCB (propionyl-CoA carboxylase subunit beta; plus strand). Cytogenetic location: 3q22.3.
Variant type: single nucleotide variant.
Coding change: c.734G>A on transcript NM_000532.5 (MANE Select); coding-DNA position 734, G replaced by A.
Protein change: p.Gly245Asp; replaces glycine 245 with aspartic acid.
Molecular consequence: missense variant.
Genome position (GRCh38, 1-based): chr3:136,293,835, G>A. VCF-style: chr3-136293835-G-A. GRCh37 (hg19) VCF-style: chr3-136012677-G-A.
Other names: c.734G>A (NM_000532.4); c.794G>A, p.Gly265Asp (NM_001178014.2); short protein forms G245D, G265D.
Identifiers: ClinVar variation 1439956 (VCV001439956.8), dbSNP rs778242891, ClinGen allele CA2631843.

ClinVar aggregate classification (germline): Conflicting classifications of pathogenicity. Review status: criteria provided, conflicting classifications (1 of 4 stars). 2 submissions from 2 submitters: Likely pathogenic (1); Uncertain significance (1). Last evaluated 2024-03-24.

Conditions:
PCCB-related disorder. Also called: PCCB-related condition.
Propionic acidemia (PROP). Also called: GLYCINEMIA, KETOTIC; HYPERGLYCINEMIA WITH KETOACIDOSIS AND LEUKOPENIA; KETOTIC HYPERGLYCINEMIA. Identifiers: Orphanet 35, MedGen C0268579, MONDO:0011628, OMIM 606054, HP:0003571.

Allele frequency attached by ClinVar (database versions not stated): gnomAD exomes below 0.00001; ExAC 0.00001; gnomAD 0.00001.
gnomAD v4.1: 3 of 1,610,358 alleles (0.00019%); highest among the groups gnomAD compares: Non-Finnish European, 0.00025%; no homozygotes.

Submissions (2):

Labcorp Genetics (formerly Invitae), Labcorp
Classification: Likely pathogenic for Propionic acidemia. Last evaluated: 2024-03-24. Review status: criteria provided, single submitter. Criteria: Invitae Variant Classification Sherloc (09022015). Collection method: clinical testing. Allele origin: germline.
Comment: This sequence change replaces glycine, which is neutral and non-polar, with aspartic acid, which is acidic and polar, at codon 245 of the PCCB protein (p.Gly245Asp). This variant is not present in population databases (gnomAD no frequency). This variant has not been reported in the literature in individuals affected with PCCB-related conditions. ClinVar contains an entry for this variant (Variation ID: 1439956). Advanced modeling of protein sequence and biophysical properties (such as structural, functional, and spatial information, amino acid conservation, physicochemical variation, residue mobility, and thermodynamic stability) performed at Invitae indicates that this missense variant is expected to disrupt PCCB protein function with a positive predictive value of 95%. This variant disrupts the p.Gly245 amino acid residue in PCCB. Other variant(s) that disrupt this residue have been determined to be pathogenic (PMID: 33028371; Invitae). This suggests that this residue is clinically significant, and that variants that disrupt this residue are likely to be disease-causing. In summary, the currently available evidence indicates that the variant is pathogenic, but additional data are needed to prove that conclusively. Therefore, this variant has been classified as Likely Pathogenic.

PreventionGenetics, part of Exact Sciences
Classification: Uncertain significance for PCCB-related condition. Last evaluated: 2023-05-17. Review status: criteria provided, single submitter. Criteria: ACMG Guidelines, 2015. Collection method: clinical testing. Allele origin: germline.
Comment: The PCCB c.734G>A variant is predicted to result in the amino acid substitution p.Gly245Asp. This variant was reported along with a likely pathogenic copy number variant in PCCB in a patient with propionic acidemia (Shchelochkov et al. 2019. PubMed ID: 31249402). This variant is reported in 0.00088% of alleles in individuals of European (Non-Finnish) descent in gnomAD. Although we suspect this variant could possibly be pathogenic, at this time its clinical significance is uncertain due to the absence of conclusive functional and genetic evidence.

Literature cited by the submitters: PubMed 33028371 (cited by Labcorp Genetics (formerly Invitae), Labcorp).